The following is an entry in ClinVar:

ClinVar aggregate classification (germline): Likely benign (1 of 4 stars; one submission).

Allele frequency attached by ClinVar (database versions not stated): gnomAD 0.00247; TOPMed 0.00323; 1000 Genomes Project 0.00419; 1000 Genomes Project 30x 0.00422.
gnomAD v4.1: 472 of 398,312 alleles (0.12%); highest among the groups gnomAD compares: African/African-American, 0.9%; 2 homozygotes.

Submission:

CeGaT Center for Human Genetics Tuebingen
Classification: Likely benign. Last evaluated: 2024-06-01. Review status: criteria provided, single submitter. Criteria: CeGaT Center For Human Genetics Tuebingen Variant Classification Criteria Version 2. Collection method: clinical testing. Allele origin: germline. Affected: yes. Observed: 1 variant allele.
Comment: KCNQ1OT1: BS1

NM_000218.3(KCNQ1):c.1394-19895C>G

Genes: KCNQ1 (potassium voltage-gated channel subfamily Q member 1; plus strand), KCNQ1OT1 (KCNQ1 opposite strand/antisense transcript 1; minus strand). Cytogenetic location: 11p15.5.
Variant type: single nucleotide variant.
Coding change: c.1394-19895C>G on transcript NM_000218.3 (MANE Select); 19895 bases into the intron before coding-DNA position 1394, C replaced by G.
Molecular consequence: intron variant. On other transcripts: non-coding transcript variant (1).
Genome position (GRCh38, 1-based): chr11:2,642,066, C>G. VCF-style: chr11-2642066-C-G. GRCh37 (hg19) VCF-style: chr11-2663296-C-G.
Other names: c.1124-19895C>G (NM_001406837.1); c.1298-19895C>G (NM_001406836.1); c.854-19895C>G (NM_001406838.1); c.1013-19895C>G (NM_181798.2).
Identifiers: ClinVar variation 3250953 (VCV003250953.18), dbSNP rs146724775.